The following is an entry in ClinVar:

ClinVar aggregate classification (germline): Uncertain significance. Review status: criteria provided, multiple submitters, no conflicts (2 of 4 stars). 5 submissions from 5 submitters: Uncertain significance (5). Last evaluated 2026-02-15.

Conditions:
Cardiomyopathy (CMYO). Also called: Cardiomyopathies. Identifiers: Orphanet 167848, MedGen C0878544, MONDO:0004994, HP:0001638. Inheritance: Various modes of inheritance.
Arrhythmogenic right ventricular dysplasia 11. Also called: Arrhythmogenic right ventricular dysplasia 11 with mild palmoplantar keratoderma and woolly hair; Arrhythmogenic Right Ventricular Dysplasia/Cardiomyopathy11; ARRHYTHMOGENIC RIGHT VENTRICULAR DYSPLASIA, FAMILIAL, 11. Identifiers: MedGen C1864850, MONDO:0012506, OMIM 610476.
Cardiovascular phenotype. Identifiers: MedGen CN230736.
Familial isolated arrhythmogenic right ventricular dysplasia. Identifiers: Orphanet 217656, MedGen C4274968, MONDO:0016342.

Allele frequency attached by ClinVar (database versions not stated): gnomAD 0.00001; gnomAD exomes below 0.00001; TOPMed below 0.00001.
gnomAD v4.1: 3 of 1,613,886 alleles (0.00019%); highest among the groups gnomAD compares: Non-Finnish European, 0.00025%; no homozygotes.

Submissions (5):

Ambry Genetics
Classification: Uncertain significance for Cardiovascular phenotype. Last evaluated: 2026-02-15. Review status: criteria provided, single submitter. Criteria: Ambry Variant Classification Scheme 2023. Collection method: clinical testing. Allele origin: germline.
Comment: The p.V595I variant (also known as c.1783G>A), located in coding exon 12 of the DSC2 gene, results from a G to A substitution at nucleotide position 1783. The valine at codon 595 is replaced by isoleucine, an amino acid with highly similar properties. This amino acid position is conserved. In addition, this alteration is predicted to be tolerated by in silico analysis. Based on the available evidence, the clinical significance of this variant remains unclear.

Labcorp Genetics (formerly Invitae), Labcorp
Classification: Uncertain significance for Arrhythmogenic right ventricular dysplasia 11. Last evaluated: 2024-09-16. Review status: criteria provided, single submitter. Criteria: Invitae Variant Classification Sherloc (09022015). Collection method: clinical testing. Allele origin: germline.
Comment: This sequence change replaces valine, which is neutral and non-polar, with isoleucine, which is neutral and non-polar, at codon 595 of the DSC2 protein (p.Val595Ile). This variant is present in population databases (no rsID available, gnomAD 0.007%). This variant has not been reported in the literature in individuals affected with DSC2-related conditions. ClinVar contains an entry for this variant (Variation ID: 1418231). Invitae Evidence Modeling of protein sequence and biophysical properties (such as structural, functional, and spatial information, amino acid conservation, physicochemical variation, residue mobility, and thermodynamic stability) indicates that this missense variant is not expected to disrupt DSC2 protein function with a negative predictive value of 80%. In summary, the available evidence is currently insufficient to determine the role of this variant in disease. Therefore, it has been classified as a Variant of Uncertain Significance.

Revvity Omics, Revvity
Classification: Uncertain significance for Arrhythmogenic right ventricular dysplasia 11. Last evaluated: 2024-05-27. Review status: criteria provided, single submitter. Criteria: ACMG Guidelines, 2015. Collection method: clinical testing. Allele origin: germline.

Color Diagnostics, LLC DBA Color Health
Classification: Uncertain significance for Cardiomyopathy. Last evaluated: 2024-03-06. Review status: criteria provided, single submitter. Criteria: ACMG Guidelines, 2015. Collection method: clinical testing. Allele origin: germline.
Comment: This missense variant replaces valine with isoleucine at codon 595 of the DSC2 protein. Computational prediction suggests that this variant may not impact protein structure and function (internally defined REVEL score threshold <= 0.5, PMID: 27666373). To our knowledge, functional studies have not been reported for this variant. This variant has not been reported in individuals affected with cardiovascular disorders in the literature. This variant has been identified in 1/31398 chromosomes in the general population by the Genome Aggregation Database (gnomAD). The available evidence is insufficient to determine the role of this variant in disease conclusively. Therefore, this variant is classified as a Variant of Uncertain Significance.

All of Us Research Program, National Institutes of Health
Classification: Uncertain significance for Familial isolated arrhythmogenic right ventricular dysplasia. Last evaluated: 2023-06-26. Review status: criteria provided, single submitter. Criteria: ACMG Guidelines, 2015. Collection method: clinical testing. Allele origin: germline. Inheritance: Autosomal dominant inheritance. Observed: 2 variant alleles, 2 heterozygotes.
Comment: This missense variant replaces valine with isoleucine at codon 595 of the DSC2 protein. Computational prediction suggests that this variant may not impact protein structure and function (internally defined REVEL score threshold <= 0.5, PMID: 27666373). To our knowledge, functional studies have not been reported for this variant. This variant has not been reported in individuals affected with cardiovascular disorders in the literature. This variant has been identified in 1/31398 chromosomes in the general population by the Genome Aggregation Database (gnomAD). The available evidence is insufficient to determine the role of this variant in disease conclusively. Therefore, this variant is classified as a Variant of Uncertain Significance.

This study involves interpretation of variants in research participants for the purpose of population health screening. Participant phenotype was not available at the time of variant classification. Additional details can be found in publication PMID: 35346344, PMCID: PMC8962531

NM_024422.6(DSC2):c.1783G>A (p.Val595Ile)

Gene: DSC2 (desmocollin 2; minus strand). Cytogenetic location: 18q12.1.
Variant type: single nucleotide variant.
Coding change: c.1783G>A on transcript NM_024422.6 (MANE Select); coding-DNA position 1783, G replaced by A.
Protein change: p.Val595Ile; replaces valine 595 with isoleucine.
Molecular consequence: missense variant.
Genome position (GRCh38, 1-based): chr18:31,074,788, C>T on the plus strand (G>A on the coding strand, the complement: DSC2 is on the minus strand). VCF-style: chr18-31074788-C-T. GRCh37 (hg19) VCF-style: chr18-28654754-C-T.
Other names: c.1783G>A, p.Val595Ile (NM_004949.5); c.1783G>A (NM_024422.3); short protein forms V595I.
Identifiers: ClinVar variation 1418231 (VCV001418231.14), dbSNP rs1447974524, ClinGen allele CA402114030.